The following is an entry in ClinVar:

ClinVar aggregate classification (germline): Likely pathogenic (1 of 4 stars; one submission).

Conditions:
Distal arthrogryposis type 5D (DA5D). Identifiers: Orphanet 329457, MedGen C3554415, MONDO:0014028, OMIM 615065.

Submission:

Neuberg Centre For Genomic Medicine, NCGM
Classification: Likely pathogenic for Distal arthrogryposis type 5D. Review status: criteria provided, single submitter. Criteria: ACMG Guidelines, 2015. Collection method: clinical testing. Allele origin: germline. Inheritance: Autosomal recessive inheritance. Affected: yes.
Comment: The variant c.38del (p.Glu13GlyfsTer8) in ECEL1 gene has not been reported previously as a pathogenic variant nor as a benign variant, to our knowledge. The p.Glu13GlyfsTer8 variant is novel (not in any individuals) in gnomAD Exomes and is novel (not in any individuals) in 1000 Genomes. This variant causes a frameshift starting with codon Glutamic Acid 13, changes this amino acid to Glycine residue, and creates a premature Stop codon at position 8 of the new reading frame, denoted p.Glu13GlyfsTer8. This variant is predicted to cause loss of normal protein function through protein truncation. For these reasons, this variant has been classified as Likely Pathogenic.

NM_004826.4(ECEL1):c.38del (p.Glu13fs)

Gene: ECEL1 (endothelin converting enzyme like 1; minus strand). Cytogenetic location: 2q37.1.
Variant type: Deletion.
Coding change: c.38del on transcript NM_004826.4 (MANE Select); coding-DNA position 38, one base deleted (A; older notation c.38delA).
Protein change: p.Glu13fs; shifts the reading frame from glutamic acid 13.
Molecular consequence: frameshift variant.
Genome position (GRCh38, 1-based): chr2:232,486,616, T deleted on the plus strand (A on the coding strand, the reverse complement: ECEL1 is on the minus strand). VCF-style (leftmost placement, unchanged base first): chr2-232486615-CT-C. GRCh37 (hg19) VCF-style: chr2-233351325-CT-C.
Other names: c.38del, p.Glu13fs (NM_001290787.2); short protein forms E13fs.
Identifiers: ClinVar variation 2585229 (VCV002585229.1), dbSNP rs2469653701, ClinGen allele CA2582342831.